The following is an entry in ClinVar:

NM_014989.7(RIMS1):c.1015G>A (p.Ala339Thr)

Gene: RIMS1 (regulating synaptic membrane exocytosis 1; plus strand). Cytogenetic location: 6q13.
Variant type: single nucleotide variant.
Coding change: c.1015G>A on transcript NM_014989.7 (MANE Select); coding-DNA position 1015, G replaced by A.
Protein change: p.Ala339Thr; replaces alanine 339 with threonine.
Molecular consequence: missense variant.
Genome position (GRCh38, 1-based): chr6:72,182,486, G>A. VCF-style: chr6-72182486-G-A. GRCh37 (hg19) VCF-style: chr6-72892189-G-A.
Other names: short protein forms A339T.
Identifiers: ClinVar variation 3648117 (VCV003648117.2).

ClinVar aggregate classification (germline): Uncertain significance (1 of 4 stars; one submission).

gnomAD v4.1: 1 of 1,611,318 alleles (0.000062%); no homozygotes.

Submission:

Labcorp Genetics (formerly Invitae), Labcorp
Classification: Uncertain significance. Last evaluated: 2024-04-04. Review status: criteria provided, single submitter. Criteria: Invitae Variant Classification Sherloc (09022015). Collection method: clinical testing. Allele origin: germline.
Comment: This sequence change replaces alanine, which is neutral and non-polar, with threonine, which is neutral and polar, at codon 339 of the RIMS1 protein (p.Ala339Thr). This variant is not present in population databases (gnomAD no frequency). This variant has not been reported in the literature in individuals affected with RIMS1-related conditions. An algorithm developed to predict the effect of missense changes on protein structure and function (PolyPhen-2) suggests that this variant is likely to be tolerated. In summary, the available evidence is currently insufficient to determine the role of this variant in disease. Therefore, it has been classified as a Variant of Uncertain Significance.